The following is an entry in ClinVar:

NM_152414.5(BHLHE22):c.866C>G (p.Ala289Gly)

Genes: BHLHE22 (basic helix-loop-helix family member e22; plus strand), BHLHE22-AS1 (BHLHE22 antisense RNA 1; minus strand). Cytogenetic location: 8q12.3.
Variant type: single nucleotide variant.
Coding change: c.866C>G on transcript NM_152414.5 (MANE Select); coding-DNA position 866, C replaced by G.
Protein change: p.Ala289Gly; replaces alanine 289 with glycine.
Molecular consequence: missense variant.
Genome position (GRCh38, 1-based): chr8:64,581,656, C>G. VCF-style: chr8-64581656-C-G. GRCh37 (hg19) VCF-style: chr8-65494213-C-G.
Other names: short protein forms A289G.
Identifiers: ClinVar variation 4820303 (VCV004820303.1).

ClinVar aggregate classification (germline): Likely pathogenic (1 of 4 stars; one submission).

Conditions:
BHLHE22-related disorder.

Submission:

Sherr lab, University of California San Francisco
Classification: Likely pathogenic for BHLHE22-related disorder. Last evaluated: 2026-03-30. Review status: criteria provided, single submitter. Criteria: Le et al. (medRxiv. 2024). Collection method: clinical testing. Allele origin: de novo. Inheritance: Autosomal dominant inheritance. Affected: yes. Observed: 1 variant allele, 1 heterozygote.
Comment: The BHLHE322 p.Ala289Gly variant is classified as likely pathogenic based on multiple lines of evidence. It is absent from population databases, arguing against a benign polymorphism. The affected residue lies within a highly conserved functional domain, suggesting that amino acid substitution is likely to impact protein function. Finally, the patient’s phenotype is consistent with the expected disease spectrum associated with disruption of this gene. Together, these data support a likely pathogenic interpretation.